The following is an entry in ClinVar:

ClinVar aggregate classification (germline): Uncertain significance (1 of 4 stars; one submission).

Conditions:
Hereditary cancer-predisposing syndrome. Also called: Neoplastic Syndromes, Hereditary; Tumor predisposition; Hereditary neoplastic syndrome; Hereditary Cancer Syndrome. Identifiers: Orphanet 140162, MedGen C0027672, MeSH D009386, MONDO:0015356.

Submission:

Color Diagnostics, LLC DBA Color Health
Classification: Uncertain significance for Hereditary cancer-predisposing syndrome. Last evaluated: 2023-12-05. Review status: criteria provided, single submitter. Criteria: ACMG Guidelines, 2015. Collection method: clinical testing. Allele origin: germline.
Comment: This missense variant replaces proline with leucine at codon 85 of the CHEK2 protein. To our knowledge, functional studies have not been reported for this variant. This variant has not been reported in individuals affected with CHEK2-related disorders in the literature. This variant has not been identified in the general population by the Genome Aggregation Database (gnomAD). The available evidence is insufficient to determine the role of this variant in disease conclusively. Therefore, this variant is classified as a Variant of Uncertain Significance.

NM_007194.4(CHEK2):c.252_254delinsGCT (p.Pro85Leu)

Gene: CHEK2 (checkpoint kinase 2; minus strand). Cytogenetic location: 22q12.1.
Variant type: Indel.
Coding change: c.252_254delinsGCT on transcript NM_007194.4 (MANE Select); coding-DNA positions 252 to 254, ACC replaced by GCT.
Protein change: p.Pro85Leu; replaces proline 85 with leucine.
Molecular consequence: missense variant.
Genome position (GRCh38, 1-based): chr22:28,734,468-28,734,470, GGT replaced by AGC on the plus strand (ACC replaced by GCT on the coding strand, the reverse complement: CHEK2 is on the minus strand). VCF-style: chr22-28734468-GGT-AGC. GRCh37 (hg19) VCF-style: chr22-29130456-GGT-AGC.
Other names: c.252_254delACCinsGCT, p.Pro85Leu (NM_001005735.3, NM_001349956.3, NM_145862.3); c.-526_-524delACCinsGCT (NM_001257387.3); short protein forms P85L.
Identifiers: ClinVar variation 628274 (VCV000628274.3), dbSNP rs1569170273, ClinGen allele CA913189037.